The following is an entry in ClinVar:

NM_031407.7(HUWE1):c.9694C>T (p.Arg3232Cys)

Gene: HUWE1 (HECT, UBA and WWE domain containing E3 ubiquitin protein ligase 1; minus strand). Cytogenetic location: Xp11.22.
Variant type: single nucleotide variant.
Coding change: c.9694C>T on transcript NM_031407.7 (MANE Select); coding-DNA position 9694, C replaced by T.
Protein change: p.Arg3232Cys; replaces arginine 3232 with cysteine.
Molecular consequence: missense variant.
Genome position (GRCh38, 1-based): chrX:53,549,300, G>A on the plus strand (C>T on the coding strand, the complement: HUWE1 is on the minus strand). VCF-style: chrX-53549300-G-A. GRCh37 (hg19) VCF-style: chrX-53576261-G-A.
Other names: short protein forms R3232C.
Identifiers: ClinVar variation 1810693 (VCV001810693.2), dbSNP rs2523225136, ClinGen allele CA413137677.

ClinVar aggregate classification (germline): Uncertain significance (1 of 4 stars; one submission).

Submission:

GeneDx
Classification: Uncertain significance. Last evaluated: 2026-08-06. Review status: criteria provided, single submitter. Criteria: GeneDx Variant Classification Process June 2021. Collection method: clinical testing. Allele origin: germline.
Comment: Not observed at significant frequency in large population cohorts (gnomAD); In silico analysis supports that this missense variant has a deleterious effect on protein structure/function; Has not been previously published as pathogenic or benign to our knowledge